The following is an entry in ClinVar:

NM_001148.6(ANK2):c.3510A>G (p.Val1170=)

Gene: ANK2 (ankyrin 2; plus strand). Cytogenetic location: 4q26.
Variant type: single nucleotide variant.
Coding change: c.3510A>G on transcript NM_001148.6 (MANE Select); coding-DNA position 3510, A replaced by G.
Protein change: p.Val1170=; no amino-acid change (valine 1170 retained).
Molecular consequence: synonymous variant. On other transcripts: 5 prime UTR variant (2).
Genome position (GRCh38, 1-based): chr4:113,335,976, A>G. VCF-style: chr4-113335976-A-G. GRCh37 (hg19) VCF-style: chr4-114257132-A-G.
Other names: p.Val1170=; c.3510A>G (NM_020977.4, NM_001148.5); c.3483A>G, p.Val1161= (NM_001127493.3); c.3522A>G, p.Val1174= (NM_001354225.2); c.3411A>G, p.Val1137= (NM_001354228.2, NM_001354258.2); c.3489A>G, p.Val1163= (NM_001354230.2); c.3552A>G, p.Val1184= (NM_001354231.2, NM_001354242.2); c.3546A>G, p.Val1182= (NM_001354232.2); and 33 more.
Identifiers: ClinVar variation 35686 (VCV000035686.37), dbSNP rs35336373, ClinGen allele CA213520.

ClinVar aggregate classification (germline): Benign. Review status: criteria provided, multiple submitters, no conflicts (2 of 4 stars). 12 submissions from 12 submitters: Benign (10). 2 of the submissions do not count toward it. Last evaluated 2026-02-02.

Conditions:
Cardiovascular phenotype. Identifiers: MedGen CN230736.
Cardiac arrhythmia. Also called: Arrhythmia; Cardiac rhythm disease. Identifiers: MedGen C0003811, MONDO:0007263, HP:0011675.
Long QT syndrome (LQTS). Identifiers: MedGen C0023976, MeSH D008133, MONDO:0002442. Disease mechanism: loss of function. Inheritance: Various modes of inheritance.
Cardiac arrhythmia, ankyrin-B-related. Also called: ANKYRIN-B SYNDROME. Identifiers: Orphanet 101016, Orphanet 768, MedGen C1970119, MONDO:0010958, OMIM 600919.

Allele frequency attached by ClinVar (database versions not stated): gnomAD exomes 0.00314 and 0.00803; gnomAD 0.02724 and 0.02906; 1000 Genomes Project 0.03335; ESP Exome Variant Server 0.03391; 1000 Genomes Project 30x 0.03420; ExAC 0.00968; TOPMed 0.03178.
gnomAD v4.1: 8,929 of 1,614,120 alleles (0.55%); highest among the groups gnomAD compares: African/African-American, 9.7%; 406 homozygotes.

Submissions (12):

Labcorp Genetics (formerly Invitae), Labcorp
Classification: Benign for Long QT syndrome. Last evaluated: 2026-02-02. Review status: criteria provided, single submitter. Criteria: Invitae Variant Classification Sherloc (09022015). Collection method: clinical testing. Allele origin: germline.

Molecular Diagnostic Laboratory for Inherited Cardiovascular Disease, Montreal Heart Institute
Classification: Benign. Last evaluated: 2025-04-09. Review status: criteria provided, single submitter. Criteria: ACMG Guidelines, 2015. Collection method: clinical testing. Allele origin: germline. Affected: no.

ARUP Laboratories, Molecular Genetics and Genomics, ARUP Laboratories
Classification: Benign. Last evaluated: 2023-11-29. Review status: criteria provided, single submitter. Criteria: ARUP Molecular Germline Variant Investigation Process 2024. Collection method: clinical testing. Allele origin: germline.

Genome-Nilou Lab
Classification: Benign for Cardiac arrhythmia, ankyrin-B-related. Last evaluated: 2021-12-05. Review status: criteria provided, single submitter. Criteria: ACMG Guidelines, 2015. Collection method: clinical testing. Allele origin: germline. Affected: no.

Illumina Laboratory Services, Illumina
Classification: Benign for Cardiac arrhythmia, ankyrin-B-related. Last evaluated: 2018-01-13. Review status: criteria provided, single submitter. Criteria: ICSL Variant Classification Criteria 13 December 2019. Collection method: clinical testing. Allele origin: germline.
Comment: This variant was observed in the ICSL laboratory as part of a predisposition screen in an ostensibly healthy population. It had not been previously curated by ICSL or reported in the Human Gene Mutation Database (HGMD: prior to June 1st, 2018), and was therefore a candidate for classification through an automated scoring system. Utilizing variant allele frequency, disease prevalence and penetrance estimates, and inheritance mode, an automated score was calculated to assess if this variant is too frequent to cause the disease. Based on the score and internal cut-off values, a variant classified as benign is not then subjected to further curation. The score for this variant resulted in a classification of benign for this disease.

Ambry Genetics
Classification: Benign for Cardiovascular phenotype. Last evaluated: 2015-07-15. Review status: criteria provided, single submitter. Criteria: Ambry Variant Classification Scheme 2023. Collection method: clinical testing. Allele origin: germline.

GeneDx
Classification: Benign. Last evaluated: 2015-03-03. Review status: criteria provided, single submitter. Criteria: GeneDx Variant Classification Process June 2021. Collection method: clinical testing. Allele origin: germline. Affected: yes.

Mayo Clinic Laboratories, Mayo Clinic
Classification: Benign. Last evaluated: 2014-12-11. Review status: criteria provided, single submitter. Criteria: ACMG Guidelines, 2015. Collection method: clinical testing. Allele origin: germline. Observed: 33 variant alleles.

Women's Health and Genetics/Laboratory Corporation of America, LabCorp
Classification: Benign for Arrhythmia. Last evaluated: 2011-08-18. Review status: criteria provided, single submitter. Criteria: LabCorp Variant Classification Summary - May 2015. Collection method: curation. Allele origin: germline. Inheritance: autosomal unknown. Affected: yes.
ClinVar note: Converted during submission from benign to Benign.

Breakthrough Genomics
Classification: Benign. Review status: criteria provided, single submitter. Criteria: ACMG Guidelines, 2015. Collection method: not provided. Allele origin: germline. Inheritance: Autosomal dominant inheritance. Affected: yes.

Clinical Genetics, Academic Medical Center
Classification: Benign. Review status: no assertion criteria provided. Collection method: clinical testing. Allele origin: germline. Affected: yes. Study: VKGL Data-share Consensus. Not counted in ClinVar's aggregate classification.

Joint Genome Diagnostic Labs from Nijmegen and Maastricht, Radboudumc and MUMC+
Classification: Benign. Review status: no assertion criteria provided. Collection method: clinical testing. Allele origin: germline. Affected: yes. Study: VKGL Data-share Consensus. Not counted in ClinVar's aggregate classification.